The following is an entry in ClinVar:

ClinVar aggregate classification (germline): Uncertain significance (1 of 4 stars; one submission).

Allele frequency attached by ClinVar (database versions not stated): gnomAD exomes 0.00001.

Submission:

Labcorp Genetics (formerly Invitae), Labcorp
Classification: Uncertain significance. Last evaluated: 2024-04-25. Review status: criteria provided, single submitter. Criteria: Invitae Variant Classification Sherloc (09022015). Collection method: clinical testing. Allele origin: germline.
Comment: This sequence change affects codon 546 of the SRP72 mRNA. It is a 'silent' change, meaning that it does not change the encoded amino acid sequence of the SRP72 protein. This variant is not present in population databases (gnomAD no frequency). This variant has not been reported in the literature in individuals affected with SRP72-related conditions. Algorithms developed to predict the effect of sequence changes on RNA splicing suggest that this variant may disrupt the consensus splice site. In summary, the available evidence is currently insufficient to determine the role of this variant in disease. Therefore, it has been classified as a Variant of Uncertain Significance.

NM_006947.4(SRP72):c.1638A>G (p.Gln546=)

Gene: SRP72 (signal recognition particle 72; plus strand). Cytogenetic location: 4q12.
Variant type: single nucleotide variant.
Coding change: c.1638A>G on transcript NM_006947.4 (MANE Select); coding-DNA position 1638, A replaced by G.
Protein change: p.Gln546=; no amino-acid change (glutamine 546 retained).
Molecular consequence: synonymous variant. On other transcripts: non-coding transcript variant (1).
Genome position (GRCh38, 1-based): chr4:56,491,566, A>G. VCF-style: chr4-56491566-A-G. GRCh37 (hg19) VCF-style: chr4-57357732-A-G.
Other names: c.1455A>G, p.Gln485= (NM_001267722.2).
Identifiers: ClinVar variation 2880891 (VCV002880891.3), dbSNP rs2545768979, ClinGen allele CA439505518.